The following is an entry in ClinVar:

NM_024867.4(SPEF2):c.3611G>T (p.Ser1204Ile)

Gene: SPEF2 (sperm flagellar 2; plus strand). Cytogenetic location: 5p13.2.
Variant type: single nucleotide variant.
Coding change: c.3611G>T on transcript NM_024867.4 (MANE Select); coding-DNA position 3611, G replaced by T.
Protein change: p.Ser1204Ile; replaces serine 1204 with isoleucine.
Molecular consequence: missense variant.
Genome position (GRCh38, 1-based): chr5:35,759,710, G>T. VCF-style: chr5-35759710-G-T. GRCh37 (hg19) VCF-style: chr5-35759812-G-T.
Other names: short protein forms S1204I.
Identifiers: ClinVar variation 2588286 (VCV002588286.4), dbSNP rs201517270, ClinGen allele CA3231132.

ClinVar aggregate classification (germline): Uncertain significance. Review status: criteria provided, single submitter (1 of 4 stars). 2 submissions from 2 submitters: Uncertain significance (1). 1 of the submissions does not count toward it. Last evaluated 2023-08-28.

Conditions:
Inborn genetic diseases. Identifiers: MedGen C0950123, MeSH D030342.
SPEF2-related disorder. Also called: SPEF2-related condition.

Allele frequency attached by ClinVar (database versions not stated): 1000 Genomes Project 0.00060; ExAC 0.00085; 1000 Genomes Project 30x 0.00094; ESP Exome Variant Server 0.00101; TOPMed 0.00115; gnomAD 0.00125.
gnomAD v4.1: 2,935 of 1,582,142 alleles (0.19%); highest among the groups gnomAD compares: Non-Finnish European, 0.24%; 5 homozygotes.

Submissions (2):

Ambry Genetics
Classification: Uncertain significance for Inborn genetic diseases. Last evaluated: 2023-08-28. Review status: criteria provided, single submitter. Criteria: Ambry Variant Classification Scheme 2023. Collection method: clinical testing. Allele origin: germline.

PreventionGenetics, part of Exact Sciences
Classification: Likely benign for SPEF2-related condition. Last evaluated: 2022-05-27. Review status: no assertion criteria provided. Collection method: clinical testing. Allele origin: germline. Not counted in ClinVar's aggregate classification.
Comment: This variant is classified as likely benign based on ACMG/AMP sequence variant interpretation guidelines (Richards et al. 2015 PMID: 25741868, with internal and published modifications).